The following is an entry in ClinVar:

NM_012470.4(TNPO3):c.2765_*2del (p.Phe922fs)

Gene: TNPO3 (transportin 3; minus strand). Cytogenetic location: 7q32.1.
Variant type: Deletion.
Coding change: c.2765_*2del on transcript NM_012470.4 (MANE Select); coding-DNA position 2765 through 2 bases downstream of the stop codon, 10 bases deleted (TTCGATAGCT; older notation c.2765_*2delTTCGATAGCT).
Protein change: p.Phe922fs; shifts the reading frame from phenylalanine 922.
Molecular consequence: frameshift variant. On other transcripts: non-coding transcript variant (18), intron variant (2).
Genome position (GRCh38, 1-based): chr7:128,957,253-128,957,262, AGCTATCGAA deleted on the plus strand (TTCGATAGCT on the coding strand, the reverse complement: TNPO3 is on the minus strand); deleting any 10 consecutive bases within chr7:128,957,253-128,957,263 gives the same sequence; the c. name uses the placement nearest the transcript's 3' end. VCF-style (leftmost placement, unchanged base first): chr7-128957252-GAGCTATCGAA-G. GRCh37 (hg19) VCF-style: chr7-128597306-GAGCTATCGAA-G.
Other names: c.2573_*2del, p.Phe858fs (NM_001191028.3); c.2867_*2del, p.Phe956fs (NM_001382216.1); c.2846_*2del, p.Phe949fs (NM_001382217.1); c.2657_*2del, p.Phe886fs (NM_001382219.1); c.2624_*2del, p.Phe875fs (NM_001382220.1); c.2621_*2del, p.Phe874fs (NM_001382221.1); c.2618_*2del, p.Phe873fs (NM_001382222.1); c.2520-1877_2520-1868del (NM_001382223.1); and 1 more; short protein forms F858fs, F873fs, F874fs, F875fs, F886fs, F922fs, F949fs, F956fs.
Identifiers: ClinVar variation 1308080 (VCV001308080.6), dbSNP rs2128974604, ClinGen allele CA2573052820.

ClinVar aggregate classification (germline): Uncertain significance. Review status: criteria provided, multiple submitters, no conflicts (2 of 4 stars). 2 submissions from 2 submitters: Uncertain significance (2). Last evaluated 2022-05-25.

Conditions:
Autosomal dominant limb-girdle muscular dystrophy type 1F (LGMDD2). Also called: MUSCULAR DYSTROPHY, LIMB-GIRDLE, AUTOSOMAL DOMINANT 2; Limb-girdle muscular dystrophy, type 1F. Identifiers: Orphanet 55595, MedGen C1842062, MONDO:0012034, OMIM 608423.

Submissions (2):

Labcorp Genetics (formerly Invitae), Labcorp
Classification: Uncertain significance for Autosomal dominant limb-girdle muscular dystrophy type 1F. Last evaluated: 2022-05-25. Review status: criteria provided, single submitter. Criteria: Invitae Variant Classification Sherloc (09022015). Collection method: clinical testing. Allele origin: germline.
Comment: This variant has not been reported in the literature in individuals affected with TNPO3-related conditions. In summary, the available evidence is currently insufficient to determine the role of this variant in disease. Therefore, it has been classified as a Variant of Uncertain Significance. Experimental studies and prediction algorithms are not available or were not evaluated, and the functional significance of this variant is currently unknown. ClinVar contains an entry for this variant (Variation ID: 1308080). This variant is not present in population databases (gnomAD no frequency). This sequence change disrupts the translational stop signal of the TNPO3 mRNA. It is expected to extend the length of the TNPO3 protein by 12 additional amino acid residues.

GeneDx
Classification: Uncertain significance. Last evaluated: 2019-08-21. Review status: criteria provided, single submitter. Criteria: GeneDx Variant Classification Process June 2021. Collection method: clinical testing. Allele origin: germline. Affected: yes.
Comment: Not observed in large population cohorts (Lek et al., 2016); Frameshift variant predicted to result in protein elongation as the last 3 amino acids are lost and replaced with 14 incorrect amino acids; Has not been previously published as pathogenic or benign to our knowledge; A nearby overlapping frameshift variant (c.2771delA) has been reported in the Human Gene Mutation Database in association with limb-girdle muscular dystrophy (Stenson et al., 2014)